The following is an entry in ClinVar:

ClinVar aggregate classification (germline): Uncertain significance. Review status: criteria provided, multiple submitters, no conflicts (2 of 4 stars). 3 submissions from 3 submitters: Uncertain significance (2). 1 of the submissions does not count toward it. Last evaluated 2020-02-14.

Conditions:
Rhizomelic chondrodysplasia punctata type 3 (RCDP3). Also called: Alkylglycerone Phosphate Synthase (AGPS) deficiency; ALKYLDIHYDROXYACETONEPHOSPHATE SYNTHASE DEFICIENCY. Identifiers: Orphanet 177, Orphanet 309803, MedGen C1838612, MONDO:0010823, OMIM 600121. Disease mechanism: loss of function.
Rhizomelic chondrodysplasia punctata (RCDP). Identifiers: Orphanet 177, MedGen C0282529, MONDO:0015776. Disease mechanism: loss of function.

Allele frequency attached by ClinVar (database versions not stated): gnomAD exomes 0.00001; gnomAD 0.00003; TOPMed 0.00003; 1000 Genomes Project 30x 0.00016; 1000 Genomes Project 0.00020.
gnomAD v4.1: 9 of 1,581,334 alleles (0.00057%); highest among the groups gnomAD compares: African/African-American, 0.0095%; no homozygotes.

Submissions (3):

Labcorp Genetics (formerly Invitae), Labcorp
Classification: Uncertain significance. Last evaluated: 2020-02-14. Review status: criteria provided, single submitter. Criteria: Invitae Variant Classification Sherloc (09022015). Collection method: clinical testing. Allele origin: germline.
Comment: This sequence change affects codon 290 of the AGPS mRNA. It is a 'silent' change, meaning that it does not change the encoded amino acid sequence of the AGPS protein. This variant also falls at the last nucleotide of exon 8 of the AGPS coding sequence, which is part of the consensus splice site for this exon. This variant is not present in population databases (ExAC no frequency). This variant has not been reported in the literature in individuals with AGPS-related conditions. Nucleotide substitutions within the consensus splice site are a relatively common cause of aberrant splicing (PMID: 17576681, 9536098). Algorithms developed to predict the effect of sequence changes on RNA splicing suggest that this variant may disrupt the consensus splice site, but this prediction has not been confirmed by published transcriptional studies. In summary, the available evidence is currently insufficient to determine the role of this variant in disease. Therefore, it has been classified as a Variant of Uncertain Significance.

Juno Genomics, Hangzhou Juno Genomics, Inc
Classification: Uncertain significance for Rhizomelic chondrodysplasia punctata type 3. Review status: criteria provided, single submitter. Criteria: ACMG Guidelines, 2015. Collection method: clinical testing. Allele origin: germline.
Comment: Absent from controls (or at extremely low frequency if recessive) in Genome Aggregation Database.

Natera, Inc.
Classification: Uncertain significance for Rhizomelic chondrodysplasia punctata. Last evaluated: 2020-08-31. Review status: no assertion criteria provided. Collection method: clinical testing. Allele origin: germline. Not counted in ClinVar's aggregate classification.

Literature cited by the submitters: PubMed 17576681 (cited by Labcorp Genetics (formerly Invitae), Labcorp); PubMed 9536098 (cited by Labcorp Genetics (formerly Invitae), Labcorp).

NM_003659.4(AGPS):c.870G>A (p.Gln290=)

Gene: AGPS (alkylglycerone phosphate synthase; plus strand). Cytogenetic location: 2q31.2.
Variant type: single nucleotide variant.
Coding change: c.870G>A on transcript NM_003659.4 (MANE Select); coding-DNA position 870, G replaced by A.
Protein change: p.Gln290=; no amino-acid change (glutamine 290 retained).
Molecular consequence: synonymous variant.
Genome position (GRCh38, 1-based): chr2:177,445,626, G>A. VCF-style: chr2-177445626-G-A. GRCh37 (hg19) VCF-style: chr2-178310354-G-A.
Identifiers: ClinVar variation 991247 (VCV000991247.5), dbSNP rs534985206, ClinGen allele CA61417213.